The following is an entry in ClinVar:

ClinVar aggregate classification (germline): Benign/Likely benign. Review status: criteria provided, multiple submitters, no conflicts (2 of 4 stars). 4 submissions from 4 submitters: Benign (2); Likely benign (2). Last evaluated 2026-07-01.

Allele frequency attached by ClinVar (database versions not stated): gnomAD exomes 0.00032 and 0.00087; ExAC 0.00105; 1000 Genomes Project 30x 0.00312; ESP Exome Variant Server 0.00331; 1000 Genomes Project 0.00339; gnomAD 0.00352 and 0.00368; TOPMed 0.00389.
gnomAD v4.1: 1,019 of 1,614,162 alleles (0.063%); highest among the groups gnomAD compares: African/African-American, 1.2%; 9 homozygotes.

Submissions (4):

CeGaT Center for Human Genetics Tuebingen
Classification: Likely benign. Last evaluated: 2026-07-01. Review status: criteria provided, single submitter. Criteria: CeGaT Center For Human Genetics Tuebingen Variant Classification Criteria Version 2. Collection method: clinical testing. Allele origin: germline. Affected: yes. Observed: 4 variant alleles.
Comment: ANK3: BP4, BP7, BS1

Labcorp Genetics (formerly Invitae), Labcorp
Classification: Benign. Last evaluated: 2026-01-15. Review status: criteria provided, single submitter. Criteria: Invitae Variant Classification Sherloc (09022015). Collection method: clinical testing. Allele origin: germline.

Blueprint Genetics
Classification: Likely benign. Last evaluated: 2024-10-09. Review status: criteria provided, single submitter. Criteria: ACMG Guidelines, 2015. Collection method: clinical testing. Allele origin: germline.

Breakthrough Genomics
Classification: Benign. Review status: criteria provided, single submitter. Criteria: ACMG Guidelines, 2015. Collection method: not provided. Allele origin: germline. Inheritance: Autosomal recessive inheritance. Affected: yes.

NM_020987.5(ANK3):c.5763A>G (p.Thr1921=)

Gene: ANK3 (ankyrin 3; minus strand). Cytogenetic location: 10q21.2.
Variant type: single nucleotide variant.
Coding change: c.5763A>G on transcript NM_020987.5 (MANE Select); coding-DNA position 5763, A replaced by G.
Protein change: p.Thr1921=; no amino-acid change (threonine 1921 retained).
Molecular consequence: synonymous variant. On other transcripts: intron variant (4).
Genome position (GRCh38, 1-based): chr10:60,075,118, T>C on the plus strand (A>G on the coding strand, the complement: ANK3 is on the minus strand). VCF-style: chr10-60075118-T-C. GRCh37 (hg19) VCF-style: chr10-61834876-T-C.
Other names: c.4387+5419A>G (NM_001204403.2); c.4408+5419A>G (NM_001204404.2); c.4405+5419A>G (NM_001320874.2); c.1807+5419A>G (NM_001149.4).
Identifiers: ClinVar variation 776512 (VCV000776512.19), dbSNP rs115260634, ClinGen allele CA5511960.
Genomic context (GRCh38, chr10:60,075,118, plus strand): 5'-ATCATCTATTCTCCCTTCCTTTGGGAGTTCAGGTTGGAATGGCTTCTCCTCAGGCACATC[T>C]GTCTGTAGTATTGCGGTCATCCGCATTAGGTCCTCTTTCATTTCAGCTACATCTTTTAGT-3'
Protein context (NP_066267.2, residues 1911-1931): DLMRMTAILQ[Thr1921=]DVPEEKPFQP